The following is an entry in ClinVar:

NM_005228.5(EGFR):c.1830C>T (p.Tyr610=)

Gene: EGFR (epidermal growth factor receptor; plus strand). Cytogenetic location: 7p11.2.
Variant type: single nucleotide variant.
Coding change: c.1830C>T on transcript NM_005228.5 (MANE Select); coding-DNA position 1830, C replaced by T.
Protein change: p.Tyr610=; no amino-acid change (tyrosine 610 retained).
Molecular consequence: synonymous variant.
Genome position (GRCh38, 1-based): chr7:55,165,387, C>T. VCF-style: chr7-55165387-C-T. GRCh37 (hg19) VCF-style: chr7-55233080-C-T.
Other names: p.Tyr610=; c.1830C>T (NM_005228.4); c.1695C>T, p.Tyr565= (NM_001346897.2, NM_001346899.2); c.1830C>T, p.Tyr610= (NM_001346898.2, NM_201282.2, NM_201284.2); c.1671C>T, p.Tyr557= (NM_001346900.2); c.1029C>T, p.Tyr343= (NM_001346941.2).
Identifiers: ClinVar variation 360460 (VCV000360460.30), dbSNP rs115350205, ClinGen allele CA4265707.

ClinVar aggregate classification (germline): Benign/Likely benign. Review status: criteria provided, multiple submitters, no conflicts (2 of 4 stars). 6 submissions from 6 submitters: Benign (3); Likely benign (3). Last evaluated 2026-02-03.

Conditions:
Lung cancer. Also called: Malignant tumor of lung; Lung cancer, somatic. Identifiers: MedGen C0242379, MONDO:0008903, OMIM 211980.
EGFR-related lung cancer (EGFR). Identifiers: MedGen CN130014.
Hereditary cancer-predisposing syndrome. Also called: Hereditary Cancer Syndrome; Tumor predisposition; Neoplastic Syndromes, Hereditary; Hereditary neoplastic syndrome. Identifiers: Orphanet 140162, MedGen C0027672, MeSH D009386, MONDO:0015356.

Allele frequency attached by ClinVar (database versions not stated): gnomAD exomes 0.00123; ExAC 0.00158; gnomAD 0.00481 and 0.00515; TOPMed 0.00510; ESP Exome Variant Server 0.00654; 1000 Genomes Project 0.00679; 1000 Genomes Project 30x 0.00718.
gnomAD v4.1: 1,562 of 1,614,144 alleles (0.097%); highest among the groups gnomAD compares: African/African-American, 1.7%; 19 homozygotes.

Submissions (6):

Labcorp Genetics (formerly Invitae), Labcorp
Classification: Benign for EGFR-related lung cancer. Last evaluated: 2026-02-03. Review status: criteria provided, single submitter. Criteria: Invitae Variant Classification Sherloc (09022015). Collection method: clinical testing. Allele origin: germline.

Mayo Clinic Laboratories, Mayo Clinic
Classification: Likely benign. Last evaluated: 2025-09-04. Review status: criteria provided, single submitter. Criteria: ACMG Guidelines, 2015. Collection method: clinical testing. Allele origin: germline. Observed: 1 variant allele.
Comment: BS1, BP7

CeGaT Center for Human Genetics Tuebingen
Classification: Benign. Last evaluated: 2024-11-01. Review status: criteria provided, single submitter. Criteria: CeGaT Center For Human Genetics Tuebingen Variant Classification Criteria Version 2. Collection method: clinical testing. Allele origin: germline. Affected: yes. Observed: 1 variant allele.
Comment: EGFR: BP4, BP7, BS1, BS2

Ambry Genetics
Classification: Likely benign for Hereditary cancer-predisposing syndrome. Last evaluated: 2024-08-09. Review status: criteria provided, single submitter. Criteria: Ambry Variant Classification Scheme 2023. Collection method: clinical testing. Allele origin: germline.

KCCC/NGS Laboratory, Kuwait Cancer Control Center
Classification: Likely benign for Lung cancer. Last evaluated: 2023-07-07. Review status: criteria provided, single submitter. Criteria: ACMG Guidelines, 2015. Collection method: clinical testing. Allele origin: germline. Affected: yes.

Breakthrough Genomics
Classification: Benign. Review status: criteria provided, single submitter. Criteria: ACMG Guidelines, 2015. Collection method: not provided. Allele origin: germline. Inheritance: Autosomal recessive inheritance. Affected: yes.